The following is an entry in ClinVar:

NM_000719.7(CACNA1C):c.5732G>T (p.Gly1911Val)

Genes: CACNA1C (calcium voltage-gated channel subunit alpha1 C; plus strand), CACNA1C-AS1 (CACNA1C antisense RNA 1; minus strand). Cytogenetic location: 12p13.33.
Variant type: single nucleotide variant.
Coding change: c.5732G>T on transcript NM_000719.7 (MANE Select); coding-DNA position 5732, G replaced by T.
Protein change: p.Gly1911Val; replaces glycine 1911 with valine.
Molecular consequence: missense variant.
Genome position (GRCh38, 1-based): chr12:2,686,217, G>T. VCF-style: chr12-2686217-G-T. GRCh37 (hg19) VCF-style: chr12-2795383-G-T.
Other names: c.5876G>T, p.Gly1959Val (NM_001129827.2); c.5855G>T, p.Gly1952Val (NM_001129829.2); c.5837G>T, p.Gly1946Val (NM_001129830.3, NM_001167624.3); c.5816G>T, p.Gly1939Val (NM_001129831.2); c.5792G>T, p.Gly1931Val (NM_001129832.2); c.5789G>T, p.Gly1930Val (NM_001129833.2, NM_001129834.2, NM_001129835.2); c.5783G>T, p.Gly1928Val (NM_001129836.2); c.5756G>T, p.Gly1919Val (NM_001129837.2, NM_001129838.2); and 6 more; short protein forms G1900V, G1908V, G1911V, G1917V, G1919V, G1928V, G1930V, G1931V.
Identifiers: ClinVar variation 4807941 (VCV004807941.1).

ClinVar aggregate classification (germline): Uncertain significance (1 of 4 stars; one submission).

Conditions:
Long QT syndrome (LQTS). Identifiers: MedGen C0023976, MeSH D008133, MONDO:0002442. Disease mechanism: loss of function. Inheritance: Various modes of inheritance.

Submission:

Labcorp Genetics (formerly Invitae), Labcorp
Classification: Uncertain significance for Long QT syndrome. Last evaluated: 2025-11-05. Review status: criteria provided, single submitter. Criteria: Invitae Variant Classification Sherloc (09022015). Collection method: clinical testing. Allele origin: germline.
Comment: This sequence change replaces glycine, which is neutral and non-polar, with valine, which is neutral and non-polar, at codon 1911 of the CACNA1C protein (p.Gly1911Val). This variant is not present in population databases (gnomAD no frequency). This variant has not been reported in the literature in individuals affected with CACNA1C-related conditions. Invitae Evidence Modeling of protein sequence and biophysical properties (such as structural, functional, and spatial information, amino acid conservation, physicochemical variation, residue mobility, and thermodynamic stability) indicates that this missense variant is not expected to disrupt CACNA1C protein function with a negative predictive value of 95%. In summary, the available evidence is currently insufficient to determine the role of this variant in disease. Therefore, it has been classified as a Variant of Uncertain Significance.